The following is an entry in ClinVar:

ClinVar aggregate classification (germline): Uncertain significance. Review status: criteria provided, multiple submitters, no conflicts (2 of 4 stars). 2 submissions from 2 submitters: Uncertain significance (2). Last evaluated 2025-11-06.

Conditions:
Hereditary cancer-predisposing syndrome. Also called: Tumor predisposition; Hereditary Cancer Syndrome; Hereditary neoplastic syndrome; Neoplastic Syndromes, Hereditary. Identifiers: Orphanet 140162, MedGen C0027672, MeSH D009386, MONDO:0015356.

Submissions (2):

Ambry Genetics
Classification: Uncertain significance for Hereditary cancer-predisposing syndrome. Last evaluated: 2025-11-06. Review status: criteria provided, single submitter. Criteria: Ambry Variant Classification Scheme 2023. Collection method: clinical testing. Allele origin: germline.
Comment: The p.V1725L variant (also known as c.5173G>C), located in coding exon 38 of the POLE gene, results from a G to C substitution at nucleotide position 5173. The amino acid change results in valine to leucine at codon 1725, an amino acid with highly similar properties. However, this change occurs in the last base pair of coding exon 38, which makes it likely to have some effect on normal mRNA splicing. This nucleotide position is highly conserved in available vertebrate species. In silico splice site analysis predicts that this alteration will not have any significant effect on splicing. This amino acid position is well conserved in available vertebrate species. In addition, as a missense substitution this is predicted to be tolerated by in silico analysis. Based on the available evidence, the clinical significance of this variant remains unclear.

Labcorp Genetics (formerly Invitae), Labcorp
Classification: Uncertain significance. Last evaluated: 2022-11-17. Review status: criteria provided, single submitter. Criteria: Invitae Variant Classification Sherloc (09022015). Collection method: clinical testing. Allele origin: germline.
Comment: In summary, the available evidence is currently insufficient to determine the role of this variant in disease. Therefore, it has been classified as a Variant of Uncertain Significance. Variants that disrupt the consensus splice site are a relatively common cause of aberrant splicing (PMID: 17576681, 9536098). Algorithms developed to predict the effect of missense changes on protein structure and function (SIFT, PolyPhen-2, Align-GVGD) all suggest that this variant is likely to be tolerated. This variant has not been reported in the literature in individuals affected with POLE-related conditions. This variant is not present in population databases (gnomAD no frequency). This sequence change replaces valine, which is neutral and non-polar, with leucine, which is neutral and non-polar, at codon 1725 of the POLE protein (p.Val1725Leu). This variant also falls at the last nucleotide of exon 38, which is part of the consensus splice site for this exon.

Literature cited by the submitters: PubMed 17576681 (cited by Labcorp Genetics (formerly Invitae), Labcorp); PubMed 9536098 (cited by Labcorp Genetics (formerly Invitae), Labcorp).

NM_006231.4(POLE):c.5173G>C (p.Val1725Leu)

Gene: POLE (DNA polymerase epsilon, catalytic subunit; minus strand). Cytogenetic location: 12q24.33.
Variant type: single nucleotide variant.
Coding change: c.5173G>C on transcript NM_006231.4 (MANE Select); coding-DNA position 5173, G replaced by C.
Protein change: p.Val1725Leu; replaces valine 1725 with leucine.
Molecular consequence: missense variant.
Genome position (GRCh38, 1-based): chr12:132,642,177, C>G on the plus strand (G>C on the coding strand, the complement: POLE is on the minus strand). VCF-style: chr12-132642177-C-G. GRCh37 (hg19) VCF-style: chr12-133218763-C-G.
Other names: c.5173G>C (NM_006231.2); short protein forms V1725L.
Identifiers: ClinVar variation 2814544 (VCV002814544.4), dbSNP rs2138528831, ClinGen allele CA387376604.